The following is an entry in ClinVar:

NM_004655.4(AXIN2):c.791C>T (p.Thr264Met)

Gene: AXIN2 (axin 2; minus strand). Cytogenetic location: 17q24.1.
Variant type: single nucleotide variant.
Coding change: c.791C>T on transcript NM_004655.4 (MANE Select); coding-DNA position 791, C replaced by T.
Protein change: p.Thr264Met; replaces threonine 264 with methionine.
Molecular consequence: missense variant.
Genome position (GRCh38, 1-based): chr17:65,557,830, G>A on the plus strand (C>T on the coding strand, the complement: AXIN2 is on the minus strand). VCF-style: chr17-65557830-G-A. GRCh37 (hg19) VCF-style: chr17-63553948-G-A.
Other names: c.791C>T, p.Thr264Met (NM_001363813.1); short protein forms T264M.
Identifiers: ClinVar variation 1024817 (VCV001024817.12), dbSNP rs771809149, ClinGen allele CA8718987.
Genomic context (GRCh38, chr17:65,557,830, plus strand): 5'-ACAGCATCAGCCCACCCGCCCCCGTCAAAGTCTTACCTGTATCCACTGTCAACAGTTTCC[G>A]TGGACCTCACACTCGCCGTGGCCCTCAGAGTTTTGCTGGACAAGCCAACCACGGTTGGCG-3'
Protein context (NP_004646.3, residues 254-274): TLRATASVRS[Thr264Met]ETVDSGYRSF

ClinVar aggregate classification (germline): Uncertain significance. Review status: criteria provided, multiple submitters, no conflicts (2 of 4 stars). 3 submissions from 3 submitters: Uncertain significance (3). Last evaluated 2025-05-27.

Conditions:
Hereditary cancer-predisposing syndrome. Also called: Hereditary Cancer Syndrome; Neoplastic Syndromes, Hereditary; Tumor predisposition; Hereditary neoplastic syndrome. Identifiers: Orphanet 140162, MedGen C0027672, MeSH D009386, MONDO:0015356.
Oligodontia-cancer predisposition syndrome. Also called: TOOTH AGENESIS-COLORECTAL CANCER SYNDROME. Identifiers: Orphanet 300576, MedGen C1837750, MONDO:0012075, OMIM 608615. Disease mechanism: loss of function.

Allele frequency attached by ClinVar (database versions not stated): gnomAD exomes below 0.00001; ExAC 0.00001.
gnomAD v4.1: 2 of 1,614,158 alleles (0.00012%); highest among the groups gnomAD compares: Non-Finnish European, 0.00017%; no homozygotes.

Submissions (3):

Labcorp Genetics (formerly Invitae), Labcorp
Classification: Uncertain significance for Oligodontia-cancer predisposition syndrome. Last evaluated: 2025-05-27. Review status: criteria provided, single submitter. Criteria: Invitae Variant Classification Sherloc (09022015). Collection method: clinical testing. Allele origin: germline.
Comment: This sequence change replaces threonine, which is neutral and polar, with methionine, which is neutral and non-polar, at codon 264 of the AXIN2 protein (p.Thr264Met). This variant is present in population databases (rs771809149, gnomAD 0.0009%). This variant has not been reported in the literature in individuals affected with AXIN2-related conditions. ClinVar contains an entry for this variant (Variation ID: 1024817). Invitae Evidence Modeling of protein sequence and biophysical properties (such as structural, functional, and spatial information, amino acid conservation, physicochemical variation, residue mobility, and thermodynamic stability) indicates that this missense variant is not expected to disrupt AXIN2 protein function with a negative predictive value of 80%. In summary, the available evidence is currently insufficient to determine the role of this variant in disease. Therefore, it has been classified as a Variant of Uncertain Significance.

Quest Diagnostics Nichols Institute San Juan Capistrano
Classification: Uncertain significance. Last evaluated: 2024-01-09. Review status: criteria provided, single submitter. Criteria: Quest Diagnostics criteria. Collection method: clinical testing. Allele origin: unknown.

Ambry Genetics
Classification: Uncertain significance for Hereditary cancer-predisposing syndrome. Last evaluated: 2020-10-26. Review status: criteria provided, single submitter. Criteria: Ambry Variant Classification Scheme 2023. Collection method: clinical testing. Allele origin: germline.
Comment: The p.T264M variant (also known as c.791C>T), located in coding exon 1 of the AXIN2 gene, results from a C to T substitution at nucleotide position 791. The threonine at codon 264 is replaced by methionine, an amino acid with similar properties. This amino acid position is not well conserved in available vertebrate species. In addition, this alteration is predicted to be tolerated by in silico analysis. Since supporting evidence is limited at this time, the clinical significance of this alteration remains unclear.